The following is an entry in ClinVar:

NM_144670.6(A2ML1):c.1917G>A (p.Trp639Ter)

Gene: A2ML1 (alpha-2-macroglobulin like 1; plus strand). Cytogenetic location: 12p13.31.
Variant type: single nucleotide variant.
Coding change: c.1917G>A on transcript NM_144670.6 (MANE Select); coding-DNA position 1917, G replaced by A.
Protein change: p.Trp639Ter; replaces tryptophan 639 with a stop codon.
Molecular consequence: nonsense.
Genome position (GRCh38, 1-based): chr12:8,848,803, G>A. VCF-style: chr12-8848803-G-A. GRCh37 (hg19) VCF-style: chr12-9001399-G-A.
Other names: c.444G>A, p.Trp148Ter (NM_001282424.3); short protein forms W148*, W639*.
Identifiers: ClinVar variation 1014237 (VCV001014237.6), dbSNP rs1362623763, ClinGen allele CA383830531.

ClinVar aggregate classification (germline): Uncertain significance (1 of 4 stars; one submission).

Allele frequency attached by ClinVar (database versions not stated): TOPMed below 0.00001.

Submission:

Labcorp Genetics (formerly Invitae), Labcorp
Classification: Uncertain significance. Last evaluated: 2021-09-17. Review status: criteria provided, single submitter. Criteria: Invitae Variant Classification Sherloc (09022015). Collection method: clinical testing. Allele origin: germline.
Comment: The current clinical and genetic evidence is not sufficient to establish whether loss-of-function variants in A2ML1 cause disease. This variant has not been reported in the literature in individuals with A2ML1-related conditions. This variant is not present in population databases (ExAC no frequency). This sequence change creates a premature translational stop signal (p.Trp639*) in the A2ML1 gene. It is expected to result in an absent or disrupted protein product. In summary, the available evidence is currently insufficient to determine the role of this variant in disease. Therefore, it has been classified as a Variant of Uncertain Significance.